The following is an entry in ClinVar:

NC_000001.11:g.(?_225937431)_(225940012_?)dup

Gene: LEFTY2 (left-right determination factor 2; minus strand). Cytogenetic location: 1q42.12.
Variant type: Duplication.
Identifiers: ClinVar variation 832712 (VCV000832712.1).

ClinVar aggregate classification (germline): Uncertain significance (1 of 4 stars; one submission).

Conditions:
Left-right axis malformations. Identifiers: MedGen C1866091.

Submission:

Labcorp Genetics (formerly Invitae), Labcorp
Classification: Uncertain significance for Left-right axis malformations. Last evaluated: 2019-02-08. Review status: criteria provided, single submitter. Criteria: Invitae Variant Classification Sherloc (09022015). Collection method: clinical testing. Allele origin: germline.
Comment: This variant results in a copy number gain of the genomic region encompassing exons 2-4 of the LEFTY2 gene. The 5' boundary is likely confined to intron 1. The 3' end of this event is unknown as it extends beyond the assayed region for this gene and therefore may encompass additional genes. As the precise location of this event is unknown, it may be in tandem or it may be located elsewhere in the genome. This variant has not been reported in the literature in individuals with LEFTY2-related conditions. In summary, the available evidence is currently insufficient to determine the role of this variant in disease. Therefore, it has been classified as a Variant of Uncertain Significance.